The following is an entry in ClinVar:

ClinVar aggregate classification (germline): Uncertain significance (1 of 4 stars; one submission).

Conditions:
Fetal akinesia deformation sequence 1 (FADS1). Also called: Fetal akinesia sequence; Pena-Shokeir syndrome type I. Identifiers: Orphanet 994, MedGen C1276035, MONDO:0100101, OMIM 208150, HP:0001989.
Congenital myasthenic syndrome 9. Also called: Myasthenic syndrome, congenital, 9, associated with acetylcholine receptor deficiency. Identifiers: Orphanet 590, MedGen C4225368, MONDO:0014587, OMIM 616325.

gnomAD v4.1: 5 of 1,613,914 alleles (0.00031%); highest among the groups gnomAD compares: Non-Finnish European, 0.00034%; no homozygotes.

Submission:

Labcorp Genetics (formerly Invitae), Labcorp
Classification: Uncertain significance for Congenital myasthenic syndrome 9; Fetal akinesia deformation sequence 1. Last evaluated: 2019-01-27. Review status: criteria provided, single submitter. Criteria: Invitae Variant Classification Sherloc (09022015). Collection method: clinical testing. Allele origin: germline.
Comment: In summary, the available evidence is currently insufficient to determine the role of this variant in disease. Therefore, it has been classified as a Variant of Uncertain Significance. Algorithms developed to predict the effect of missense changes on protein structure and function are either unavailable or do not agree on the potential impact of this missense change (SIFT: "Tolerated"; PolyPhen-2: "Possibly Damaging"; Align-GVGD: "Class C0"). This variant has not been reported in the literature in individuals with MUSK-related conditions. This variant is not present in population databases (ExAC no frequency). This sequence change replaces arginine with proline at codon 367 of the MUSK protein (p.Arg367Pro). The arginine residue is highly conserved and there is a moderate physicochemical difference between arginine and proline.

NM_005592.4(MUSK):c.1100G>C (p.Arg367Pro)

Gene: MUSK (muscle associated receptor tyrosine kinase; plus strand). Cytogenetic location: 9q31.3.
Variant type: single nucleotide variant.
Coding change: c.1100G>C on transcript NM_005592.4 (MANE Select); coding-DNA position 1100, G replaced by C.
Protein change: p.Arg367Pro; replaces arginine 367 with proline.
Molecular consequence: missense variant. On other transcripts: 5 prime UTR variant (1), intron variant (2).
Genome position (GRCh38, 1-based): chr9:110,767,999, G>C. VCF-style: chr9-110767999-G-C. GRCh37 (hg19) VCF-style: chr9-113530279-G-C.
Other names: c.-137G>C (NM_001369398.1); c.950+5791G>C (NM_001166280.2); c.920+5791G>C (NM_001166281.2); short protein forms R367P.
Identifiers: ClinVar variation 860096 (VCV000860096.10), dbSNP rs1038479586, ClinGen allele CA374469288.